The following is an entry in ClinVar:

NM_001384732.1(CPLANE1):c.3607T>C (p.Cys1203Arg)

Gene: CPLANE1 (ciliogenesis and planar polarity effector complex subunit 1; minus strand). Cytogenetic location: 5p13.2.
Variant type: single nucleotide variant.
Coding change: c.3607T>C on transcript NM_001384732.1 (MANE Select); coding-DNA position 3607, T replaced by C.
Protein change: p.Cys1203Arg; replaces cysteine 1203 with arginine.
Molecular consequence: missense variant.
Genome position (GRCh38, 1-based): chr5:37,198,767, A>G on the plus strand (T>C on the coding strand, the complement: CPLANE1 is on the minus strand). VCF-style: chr5-37198767-A-G. GRCh37 (hg19) VCF-style: chr5-37198869-A-G.
Other names: c.3607T>C, p.Cys1203Arg (NM_023073.4); short protein forms C1203R.
Identifiers: ClinVar variation 2118487 (VCV002118487.4), dbSNP rs1234733049, ClinGen allele CA359511423.

ClinVar aggregate classification (germline): Uncertain significance (1 of 4 stars; one submission).

Allele frequency attached by ClinVar (database versions not stated): TOPMed below 0.00001; gnomAD 0.00001.
gnomAD v4.1: 1 of 1,614,042 alleles (0.000062%); highest among the groups gnomAD compares: Non-Finnish European, 0.000085%; no homozygotes.

Submission:

Labcorp Genetics (formerly Invitae), Labcorp
Classification: Uncertain significance. Last evaluated: 2022-04-06. Review status: criteria provided, single submitter. Criteria: Invitae Variant Classification Sherloc (09022015). Collection method: clinical testing. Allele origin: germline.
Comment: This sequence change replaces cysteine, which is neutral and slightly polar, with arginine, which is basic and polar, at codon 1203 of the CPLANE1 protein (p.Cys1203Arg). This variant is not present in population databases (gnomAD no frequency). This variant has not been reported in the literature in individuals affected with CPLANE1-related conditions. Advanced modeling of protein sequence and biophysical properties (such as structural, functional, and spatial information, amino acid conservation, physicochemical variation, residue mobility, and thermodynamic stability) performed at Invitae indicates that this missense variant is expected to disrupt CPLANE1 protein function. In summary, the available evidence is currently insufficient to determine the role of this variant in disease. Therefore, it has been classified as a Variant of Uncertain Significance.